The following is an entry in ClinVar:

ClinVar aggregate classification (germline): Likely pathogenic. Review status: criteria provided, multiple submitters, no conflicts (2 of 4 stars). 2 submissions from 2 submitters: Likely pathogenic (2). Last evaluated 2026-05-06.

Conditions:
FGG-related disorder. Also called: FGG-related condition.
Familial dysfibrinogenemia. Also called: Dysfibrinogenemia, congenital. Identifiers: Orphanet 335, Orphanet 98881, MedGen C0272350, MONDO:0014452, OMIM 616004.

Submissions (2):

PreventionGenetics, part of Exact Sciences
Classification: Likely pathogenic for FGG-related condition. Last evaluated: 2026-05-06. Review status: criteria provided, single submitter. Criteria: ACMG Guidelines, 2015. Collection method: clinical testing. Allele origin: germline.
Comment: The FGG c.1006A>T variant is predicted to result in the amino acid substitution p.Met336Leu. To our knowledge, this variant has not been reported in a patient with FGG related disease in the literature. However, at PreventionGenetics this variant was found in individuals with clinical features consistent with FGG-related disorders (internal data). A different missense variant in the same codon (p.Met336Thr) has been reported in individuals with dysfibrinogenemia (Yamazumi et al. 1989. PubMed ID: 2496144; Park et al. 2009. PubMed ID: 19949684). This variant is reported in 0.0029% of alleles in individuals of Latino descent in gnomAD. This variant is interpreted as likely pathogenic.

Institute of Immunology and Genetics Kaiserslautern
Classification: Likely pathogenic for Familial dysfibrinogenemia. Last evaluated: 2023-08-16. Review status: criteria provided, single submitter. Criteria: ACMG Guidelines, 2015. Collection method: clinical testing. Allele origin: germline. Affected: yes.
Comment: ACMG Criteria: PM2, PM5, PP3, PP4; Variant was found in a heterozygous state

NM_021870.3(FGG):c.1006A>T (p.Met336Leu)

Gene: FGG (fibrinogen gamma chain; minus strand). Cytogenetic location: 4q32.1.
Variant type: single nucleotide variant.
Coding change: c.1006A>T on transcript NM_021870.3 (MANE Select); coding-DNA position 1006, A replaced by T.
Protein change: p.Met336Leu; replaces methionine 336 with leucine.
Molecular consequence: missense variant.
Genome position (GRCh38, 1-based): chr4:154,606,828, T>A on the plus strand (A>T on the coding strand, the complement: FGG is on the minus strand). VCF-style: chr4-154606828-T-A. GRCh37 (hg19) VCF-style: chr4-155527980-T-A.
Other names: c.1006A>T (NM_000509.5); c.1006A>T, p.Met336Leu (NM_000509.6); short protein forms M336L.
Identifiers: ClinVar variation 3366970 (VCV003366970.2).
Genomic context (GRCh38, chr4:154,606,828, plus strand): 5'-CCTGTTCAGCACAGTTGCCTTCAAACTTATCATTGTCATTGTCCCAGGTACTGAACTGCA[T>A]GCCATTATGGGATGTGAAAAACTTGTCACTAGGATCATCGCCAAAATCAAAGCCATCAAA-3'
Protein context (NP_068656.2, residues 326-346): SDKFFTSHNG[Met336Leu]QFSTWDNDND